The following is an entry in ClinVar:

NM_002734.5(PRKAR1A):c.549+1G>T

Gene: PRKAR1A (protein kinase cAMP-dependent type I regulatory subunit alpha; plus strand). Cytogenetic location: 17q24.2.
Variant type: single nucleotide variant.
Coding change: c.549+1G>T on transcript NM_002734.5 (MANE Select); the canonical splice donor site of the intron after coding-DNA position 549, G replaced by T.
Molecular consequence: splice donor variant.
Genome position (GRCh38, 1-based): chr17:68,524,959, G>T. VCF-style: chr17-68524959-G-T. GRCh37 (hg19) VCF-style: chr17-66521100-G-T.
Other names: c.549+1G>T (NM_001278433.2, NM_001369389.1, NM_212471.3 and 4 more transcripts).
Identifiers: ClinVar variation 4530416 (VCV004530416.1).

ClinVar aggregate classification (somatic clinical impact): Tier I - Strong (1 of 4 stars; one submission).

Conditions:
Testicular Large Cell Calcifying Sertoli Cell Tumor. Identifiers: MedGen C1266109.

Submission:

Institute for Genomic Medicine (IGM) Clinical Laboratory, Nationwide Children's Hospital
Classification: Tier I - Strong for Testicular Large Cell Calcifying Sertoli Cell Tumor. Assertion type: diagnostic. Clinical significance: supports diagnosis. Last evaluated: 2025-10-13. Review status: criteria provided, single submitter. Criteria: AMP/ASCO/CAP Guidelines, 2017. Collection method: clinical testing. Allele origin: somatic. Affected: yes.
Comment: Variant has Tier I (strong) clinical significance as a diagnostic inclusion criterion in Testicular Large Cell Calcifying Sertoli Cell Tumor, based on the following evidence: 1) Documented in one or more cancer databases (e.g., St. Jude Pecan, COSMIC, CIViC, OncoKB). 2) Appears in one or more well-established professional guidelines (e.g., World Health Organization [WHO]; National Comprehensive Cancer Network [NCCN]) as providing diagnostic, prognostic, or therapeutic information. 3) Information in the literature supports potential biologic effect of variant (PMIDs: 11115848, 15930266, 27995993). 4) Diagnostic for a specific tumor type/classification based on well-powered studies with expert-level consensus (Evidence Level B; PMIDs: 11115848, 11549623, 31286102, 34780072, 31147264).

Literature cited by the submitters: PubMed 11115848; PubMed 15930266; PubMed 27995993; PubMed 11549623; PubMed 31286102; PubMed 34780072; PubMed 31147264.